The following is an entry in ClinVar:

ClinVar aggregate classification (germline): Uncertain significance (1 of 4 stars; one submission).

Allele frequency attached by ClinVar (database versions not stated): TOPMed below 0.00001.

Submission:

Labcorp Genetics (formerly Invitae), Labcorp
Classification: Uncertain significance. Last evaluated: 2022-10-04. Review status: criteria provided, single submitter. Criteria: Invitae Variant Classification Sherloc (09022015). Collection method: clinical testing. Allele origin: germline.
Comment: This sequence change replaces glycine, which is neutral and non-polar, with glutamic acid, which is acidic and polar, at codon 543 of the ARMC9 protein (p.Gly543Glu). In summary, the available evidence is currently insufficient to determine the role of this variant in disease. Therefore, it has been classified as a Variant of Uncertain Significance. Experimental studies and prediction algorithms are not available or were not evaluated, and the functional significance of this variant is currently unknown. This variant has not been reported in the literature in individuals affected with ARMC9-related conditions. This variant is not present in population databases (gnomAD no frequency).

NM_001352754.2(ARMC9):c.1628G>A (p.Gly543Glu)

Gene: ARMC9 (armadillo repeat containing 9; plus strand). Cytogenetic location: 2q37.1.
Variant type: single nucleotide variant.
Coding change: c.1628G>A on transcript NM_001352754.2 (MANE Select); coding-DNA position 1628, G replaced by A.
Protein change: p.Gly543Glu; replaces glycine 543 with glutamic acid.
Molecular consequence: missense variant. On other transcripts: non-coding transcript variant (1).
Genome position (GRCh38, 1-based): chr2:231,291,354, G>A. VCF-style: chr2-231291354-G-A. GRCh37 (hg19) VCF-style: chr2-232156067-G-A.
Other names: c.1628G>A, p.Gly543Glu (NM_001271466.4, NM_001291656.2, NM_001352755.2 and 3 more transcripts); c.1529G>A, p.Gly510Glu (NM_001352757.2, NM_001352758.2); short protein forms G510E, G543E.
Identifiers: ClinVar variation 1965702 (VCV001965702.5), dbSNP rs1379867625, ClinGen allele CA350957349.